The following is an entry in ClinVar:

ClinVar aggregate classification (germline): Likely pathogenic. Review status: criteria provided, single submitter (1 of 4 stars). 2 submissions from 2 submitters: Likely pathogenic (1). 1 of the submissions does not count toward it. Last evaluated 2024-03-25.

Conditions:
Spongy degeneration of central nervous system. Also called: Canavan disease; AMINOACYLASE 2 DEFICIENCY; ACY2 DEFICIENCY; ASP DEFICIENCY; ASPA DEFICIENCY; ASPARTOACYLASE DEFICIENCY. Identifiers: Orphanet 141, MedGen C0206307, MONDO:0010079, OMIM 271900.

Submissions (2):

Natera, Inc.
Classification: Likely pathogenic for Canavan Disease. Last evaluated: 2024-03-25. Review status: criteria provided, single submitter. Criteria: Natera Variant Classification Schema (03/2026). Collection method: clinical testing. Allele origin: germline.
Comment: The c.745-2A>G variant in ASPA is a canonical splice acceptor site variant predicted to affect pre-mRNA splicing, which may result in an abnormal transcript and altered protein product. This variant is expected to result in nonsense mediated decay, truncation, or a dysfunctional protein product. This variant is rare in the general population with a frequency below the threshold expected for the associated phenotype(s). Given the available evidence, this variant is classified as Likely Pathogenic.

Counsyl
Classification: Likely pathogenic for Spongy degeneration of central nervous system. Last evaluated: 2016-07-19. Review status: no assertion criteria provided. Collection method: clinical testing. Allele origin: unknown. Not counted in ClinVar's aggregate classification.

NM_000049.4(ASPA):c.745-2A>G

Genes: ASPA (aspartoacylase; plus strand), SPATA22 (spermatogenesis associated 22; minus strand). Cytogenetic location: 17p13.2.
Variant type: single nucleotide variant.
Coding change: c.745-2A>G on transcript NM_000049.4 (MANE Select); the canonical splice acceptor site of the intron before coding-DNA position 745, A replaced by G.
Molecular consequence: splice acceptor variant. On other transcripts: intron variant (2).
Genome position (GRCh38, 1-based): chr17:3,498,889, A>G. VCF-style: chr17-3498889-A-G. GRCh37 (hg19) VCF-style: chr17-3402183-A-G.
Other names: c.-74+14523T>C (NM_001321336.2, NM_001321337.2); c.745-2A>G (NM_001128085.1).
Identifiers: ClinVar variation 371178 (VCV000371178.5), dbSNP rs1057517066, ClinGen allele CA16041828.
Genomic context (GRCh38, chr17:3,498,889, plus strand): 5'-ACATAAATTTTTAGAGGAGAAAAACCAAATATAATATATTTATTTTGATTGTTTCCTGAG[A>G]GGATCAAGACTGGAAACCACTGCATCCTGGGGATCCCATGTTTTTAACTCTTGATGGGAA-3'